The following is an entry in ClinVar:

NM_001271.4(CHD2):c.2945A>G (p.Glu982Gly)

Genes: CHD2 (chromodomain helicase DNA binding protein 2; plus strand), LOC126862230 (P300/CBP strongly-dependent group 1 enhancer GRCh37_chr15:93523977-93525176; plus strand). Cytogenetic location: 15q26.1.
Variant type: single nucleotide variant.
Coding change: c.2945A>G on transcript NM_001271.4 (MANE Select); coding-DNA position 2945, A replaced by G.
Protein change: p.Glu982Gly; replaces glutamic acid 982 with glycine.
Molecular consequence: missense variant.
Genome position (GRCh38, 1-based): chr15:92,980,883, A>G. VCF-style: chr15-92980883-A-G. GRCh37 (hg19) VCF-style: chr15-93524113-A-G.
Other names: short protein forms E982G.
Identifiers: ClinVar variation 2763813 (VCV002763813.3), dbSNP rs2505549995, ClinGen allele CA393894749.

ClinVar aggregate classification (germline): Uncertain significance (1 of 4 stars; one submission).

Conditions:
Developmental and epileptic encephalopathy 94 (DEE94). Also called: CHD2-Related Neurodevelopmental Disorders; Epileptic encephalopathy, childhood-onset. Identifiers: Orphanet 1942, Orphanet 2382, MedGen C3809278, MONDO:0014150, OMIM 615369.

Submission:

Labcorp Genetics (formerly Invitae), Labcorp
Classification: Uncertain significance for Developmental and epileptic encephalopathy 94. Last evaluated: 2023-09-27. Review status: criteria provided, single submitter. Criteria: Invitae Variant Classification Sherloc (09022015). Collection method: clinical testing. Allele origin: germline.
Comment: This sequence change replaces glutamic acid, which is acidic and polar, with glycine, which is neutral and non-polar, at codon 982 of the CHD2 protein (p.Glu982Gly). This variant is not present in population databases (gnomAD no frequency). This variant has not been reported in the literature in individuals affected with CHD2-related conditions. Advanced modeling of protein sequence and biophysical properties (such as structural, functional, and spatial information, amino acid conservation, physicochemical variation, residue mobility, and thermodynamic stability) has been performed at Invitae for this missense variant, however the output from this modeling did not meet the statistical confidence thresholds required to predict the impact of this variant on CHD2 protein function. In summary, the available evidence is currently insufficient to determine the role of this variant in disease. Therefore, it has been classified as a Variant of Uncertain Significance.